The following is an entry in ClinVar:

ClinVar aggregate classification (germline): Benign/Likely benign. Review status: criteria provided, multiple submitters, no conflicts (2 of 4 stars). 8 submissions from 8 submitters: Benign (3); Likely benign (3). 2 of the submissions do not count toward it. Last evaluated 2026-01-01.

Conditions:
Cardiovascular phenotype. Identifiers: MedGen CN230736.
Hypertrophic cardiomyopathy. Also called: HYPERTROPHIC MYOCARDIOPATHY. Identifiers: Orphanet 217569, MedGen C0007194, MeSH D002312, MONDO:0005045, HP:0001639.

Allele frequency attached by ClinVar (database versions not stated): gnomAD exomes 0.00004 and 0.00009; ExAC 0.00010; 1000 Genomes Project 30x 0.00016; 1000 Genomes Project 0.00020; gnomAD 0.00029 and 0.00033; TOPMed 0.00036; ESP Exome Variant Server 0.00038.
gnomAD v4.1: 99 of 1,612,324 alleles (0.0061%); highest among the groups gnomAD compares: African/African-American, 0.13%; no homozygotes.

Submissions (8):

Labcorp Genetics (formerly Invitae), Labcorp
Classification: Benign for Hypertrophic cardiomyopathy. Last evaluated: 2026-01-01. Review status: criteria provided, single submitter. Criteria: Invitae Variant Classification Sherloc (09022015). Collection method: clinical testing. Allele origin: germline.

Molecular Diagnostic Laboratory for Inherited Cardiovascular Disease, Montreal Heart Institute
Classification: Benign. Last evaluated: 2025-04-09. Review status: criteria provided, single submitter. Criteria: ACMG Guidelines, 2015. Collection method: clinical testing. Allele origin: germline. Affected: no.

Blueprint Genetics
Classification: Likely benign. Last evaluated: 2024-06-25. Review status: criteria provided, single submitter. Criteria: ACMG Guidelines, 2015. Collection method: clinical testing. Allele origin: germline.

Laboratory for Molecular Medicine, Mass General Brigham Personalized Medicine
Classification: Likely benign. Last evaluated: 2017-05-18. Review status: criteria provided, single submitter. Criteria: LMM Criteria. Collection method: clinical testing. Allele origin: germline. Observed: 1 variant allele.
Comment: p.Ser369Ser in exon 2 of JPH2: This variant is not expected to have clinical sig nificance because it does not alter an amino acid residue and is not located wit hin the splice consensus sequence. It has been identified in 0.1% (26/23960) of African chromosomes by the Genome Aggregation Database (gnomAD; dbSNP rs148311735).

Ambry Genetics
Classification: Likely benign for Cardiovascular phenotype. Last evaluated: 2016-11-02. Review status: criteria provided, single submitter. Criteria: Ambry Variant Classification Scheme 2023. Collection method: clinical testing. Allele origin: germline.

GeneDx
Classification: Benign. Last evaluated: 2015-05-08. Review status: criteria provided, single submitter. Criteria: GeneDx Variant Classification (06012015). Collection method: clinical testing. Allele origin: germline. Affected: yes.
Comment: This variant is considered likely benign or benign based on one or more of the following criteria: it is a conservative change, it occurs at a poorly conserved position in the protein, it is predicted to be benign by multiple in silico algorithms, and/or has population frequency not consistent with disease.

Clinical Genetics, Academic Medical Center
Classification: Benign. Review status: no assertion criteria provided. Collection method: clinical testing. Allele origin: germline. Affected: yes. Study: VKGL Data-share Consensus. Not counted in ClinVar's aggregate classification.

Joint Genome Diagnostic Labs from Nijmegen and Maastricht, Radboudumc and MUMC+
Classification: Likely benign. Review status: no assertion criteria provided. Collection method: clinical testing. Allele origin: germline. Affected: yes. Study: VKGL Data-share Consensus. Not counted in ClinVar's aggregate classification.

NM_020433.5(JPH2):c.1107T>C (p.Ser369=)

Gene: JPH2 (junctophilin 2; minus strand). Cytogenetic location: 20q13.12.
Variant type: single nucleotide variant.
Coding change: c.1107T>C on transcript NM_020433.5 (MANE Select); coding-DNA position 1107, T replaced by C.
Protein change: p.Ser369=; no amino-acid change (serine 369 retained).
Molecular consequence: synonymous variant.
Genome position (GRCh38, 1-based): chr20:44,159,680, A>G on the plus strand (T>C on the coding strand, the complement: JPH2 is on the minus strand). VCF-style: chr20-44159680-A-G. GRCh37 (hg19) VCF-style: chr20-42788320-A-G.
Identifiers: ClinVar variation 377983 (VCV000377983.23), dbSNP rs148311735, ClinGen allele CA9868748.